The following is an entry in ClinVar:

NM_001130082.3(PLXNB1):c.1360A>C (p.Ser454Arg)

Gene: PLXNB1 (plexin B1; minus strand). Cytogenetic location: 3p21.31.
Variant type: single nucleotide variant.
Coding change: c.1360A>C on transcript NM_001130082.3 (MANE Select); coding-DNA position 1360, A replaced by C.
Protein change: p.Ser454Arg; replaces serine 454 with arginine.
Molecular consequence: missense variant.
Genome position (GRCh38, 1-based): chr3:48,422,390, T>G on the plus strand (A>C on the coding strand, the complement: PLXNB1 is on the minus strand). VCF-style: chr3-48422390-T-G. GRCh37 (hg19) VCF-style: chr3-48463799-T-G.
Other names: c.1360A>C, p.Ser454Arg (NM_002673.6); short protein forms S454R.
Identifiers: ClinVar variation 3056263 (VCV003056263.2), dbSNP rs114964512, ClinGen allele CA2375131.

ClinVar aggregate classification (germline): Benign (0 of 4 stars; one submission).

Conditions:
PLXNB1-related disorder. Also called: PLXNB1-related condition.

Allele frequency attached by ClinVar (database versions not stated): 1000 Genomes Project 0.00719; 1000 Genomes Project 30x 0.00874; gnomAD 0.01080; TOPMed 0.01235; ESP Exome Variant Server 0.01323; gnomAD exomes 0.01572; ExAC 0.01579.
gnomAD v4.1: 24,453 of 1,607,214 alleles (1.5%); highest among the groups gnomAD compares: Admixed American, 1.8%; 253 homozygotes.

Submission:

PreventionGenetics, part of Exact Sciences
Classification: Benign for PLXNB1-related condition. Last evaluated: 2019-02-20. Review status: no assertion criteria provided. Collection method: clinical testing. Allele origin: germline.
Comment: This variant is classified as benign based on ACMG/AMP sequence variant interpretation guidelines (Richards et al. 2015 PMID: 25741868, with internal and published modifications).